The following is an entry in ClinVar:

ClinVar aggregate classification (germline): Conflicting classifications of pathogenicity. Review status: criteria provided, conflicting classifications (1 of 4 stars). 5 submissions from 5 submitters: Uncertain significance (4); Likely benign (1). Last evaluated 2026-01-24.

Conditions:
Cardiovascular phenotype. Identifiers: MedGen CN230736.
Hypercholesterolemia, autosomal dominant, type B (FHCL2). Also called: APOB-Related Familial Hypercholesterolemia, Autosomal Dominant; Hyperlipoproteinemia Type IIb; Familial Hypercholesterolemia Type B; APOLIPOPROTEIN B-100, FAMILIAL DEFECTIVE; APOLIPOPROTEIN B-100, FAMILIAL LIGAND-DEFECTIVE; Familial hypercholesterolemia 2. Identifiers: MedGen C1704417, MONDO:0007751, OMIM 144010.
Familial hypobetalipoproteinemia 1. Also called: APOB-Related Familial Hypobetalipoproteinemia; Hypobetalipoproteinemia, normotriglyceridemic; Acanthocytosis with hypobetalipoproteinemia. Identifiers: MedGen C4551990, MONDO:0014252, OMIM 615558.

Allele frequency attached by ClinVar (database versions not stated): gnomAD 0.00004 and 0.00006; ExAC 0.00005; gnomAD exomes 0.00005; TOPMed 0.00012; 1000 Genomes Project 0.00020; 1000 Genomes Project 30x 0.00031.
gnomAD v4.1: 57 of 1,613,996 alleles (0.0035%); highest among the groups gnomAD compares: East Asian, 0.02%; no homozygotes.

Submissions (5):

Labcorp Genetics (formerly Invitae), Labcorp
Classification: Likely benign for Familial hypobetalipoproteinemia 1; Hypercholesterolemia, autosomal dominant, type B. Last evaluated: 2026-01-24. Review status: criteria provided, single submitter. Criteria: Invitae Variant Classification Sherloc (09022015). Collection method: clinical testing. Allele origin: germline.

GeneDx
Classification: Uncertain significance. Last evaluated: 2025-11-19. Review status: criteria provided, single submitter. Criteria: GeneDx Variant Classification Process June 2021. Collection method: clinical testing. Allele origin: germline. Affected: yes.
Comment: Has not been previously published as pathogenic or benign to our knowledge; In silico analysis suggests that this missense variant does not alter protein structure/function; Also known as R3109H

Ambry Genetics
Classification: Uncertain significance for Cardiovascular phenotype. Last evaluated: 2021-12-20. Review status: criteria provided, single submitter. Criteria: Ambry Variant Classification Scheme 2023. Collection method: clinical testing. Allele origin: germline.
Comment: The p.R3136H variant (also known as c.9407G>A), located in coding exon 26 of the APOB gene, results from a G to A substitution at nucleotide position 9407. The arginine at codon 3136 is replaced by histidine, an amino acid with highly similar properties. This amino acid position is poorly conserved in available vertebrate species. In addition, this alteration is predicted to be tolerated by in silico analysis. Since supporting evidence is limited at this time, the clinical significance of this alteration remains unclear.

Fulgent Genetics
Classification: Uncertain significance for Hypercholesterolemia, autosomal dominant, type B; Familial hypobetalipoproteinemia 1. Last evaluated: 2021-09-21. Review status: criteria provided, single submitter. Criteria: ACMG Guidelines, 2015. Collection method: clinical testing. Allele origin: unknown.

Quest Diagnostics Nichols Institute San Juan Capistrano
Classification: Uncertain significance. Last evaluated: 2018-07-31. Review status: criteria provided, single submitter. Criteria: Quest Diagnostics criteria. Collection method: clinical testing. Allele origin: germline.

NM_000384.3(APOB):c.9407G>A (p.Arg3136His)

Gene: APOB (apolipoprotein B; minus strand). Cytogenetic location: 2p24.1.
Variant type: single nucleotide variant.
Coding change: c.9407G>A on transcript NM_000384.3 (MANE Select); coding-DNA position 9407, G replaced by A.
Protein change: p.Arg3136His; replaces arginine 3136 with histidine.
Molecular consequence: missense variant.
Genome position (GRCh38, 1-based): chr2:21,007,461, C>T on the plus strand (G>A on the coding strand, the complement: APOB is on the minus strand). VCF-style: chr2-21007461-C-T. GRCh37 (hg19) VCF-style: chr2-21230333-C-T.
Other names: short protein forms R3136H.
Identifiers: ClinVar variation 619615 (VCV000619615.23), dbSNP rs199590149, ClinGen allele CA066508.